The following is an entry in ClinVar:

NM_000784.4(CYP27A1):c.491G>A (p.Arg164Gln)

Gene: CYP27A1 (cytochrome P450 family 27 subfamily A member 1; plus strand). Cytogenetic location: 2q35.
Variant type: single nucleotide variant.
Coding change: c.491G>A on transcript NM_000784.4 (MANE Select); coding-DNA position 491, G replaced by A.
Protein change: p.Arg164Gln; replaces arginine 164 with glutamine.
Molecular consequence: missense variant.
Genome position (GRCh38, 1-based): chr2:218,812,266, G>A. VCF-style: chr2-218812266-G-A. GRCh37 (hg19) VCF-style: chr2-219676989-G-A.
Other names: p.Arg164Gln; short protein forms R164Q.
Identifiers: ClinVar variation 284176 (VCV000284176.66), dbSNP rs148417330, ClinGen allele CA2112624.
Genomic context (GRCh38, chr2:218,812,266, plus strand): 5'-CTCTGCGTCCCTGCAGGGAAGGACACCACTGGTACCAGCTGCGCCAGGCTCTGAACCAGC[G>A]GTTGCTGAAGCCAGCGGAAGCAGCGCTCTATACGGATGCTTTCAATGAGGTGATTGATGA-3'
Protein context (NP_000775.1, residues 154-174): WYQLRQALNQ[Arg164Gln]LLKPAEAALY

ClinVar aggregate classification (germline): Conflicting classifications of pathogenicity. Review status: criteria provided, conflicting classifications (1 of 4 stars). 10 submissions from 10 submitters: Uncertain significance (8); Likely benign (1). 1 of the submissions does not count toward it. Last evaluated 2026-02-11.

Conditions:
Cardiovascular phenotype. Identifiers: MedGen CN230736.
CYP27A1-related disorder. Also called: CYP27A1-related condition.
Cholestanol storage disease (CTX). Also called: CEREBRAL CHOLESTERINOSIS; Cerebrotendinous Xanthomatosis; CTX: Cerebrotendinous xanthomatosis. Identifiers: Orphanet 909, MedGen C0238052, MONDO:0008948, OMIM 213700.
Intellectual disability. Also called: Intellectual functioning disability; intellectual disabilities; Intellectual developmental disorder. Identifiers: MedGen C3714756, MeSH D008607, MONDO:0001071, HP:0001249.

Allele frequency attached by ClinVar (database versions not stated): ESP Exome Variant Server 0.00015; TOPMed 0.00040.
gnomAD v4.1: 640 of 1,614,078 alleles (0.04%); highest among the groups gnomAD compares: Non-Finnish European, 0.05%; no homozygotes.

Submissions (10):

PreventionGenetics, part of Exact Sciences
Classification: Uncertain significance for CYP27A1-related condition. Last evaluated: 2026-02-11. Review status: criteria provided, single submitter. Criteria: ACMG Guidelines, 2015. Collection method: clinical testing. Allele origin: germline.
Comment: The CYP27A1 c.491G>A variant is predicted to result in the amino acid substitution p.Arg164Gln. To our knowledge, this variant has not been reported in the literature. This variant is reported in 0.060% of alleles in individuals of European (Non-Finnish) descent in gnomAD, which may be too common to be causative. Although we suspect that this variant may be benign, at this time, the clinical significance of this variant is uncertain due to the absence of conclusive functional and genetic evidence.

Labcorp Genetics (formerly Invitae), Labcorp
Classification: Likely benign for Cholestanol storage disease. Last evaluated: 2026-01-27. Review status: criteria provided, single submitter. Criteria: Invitae Variant Classification Sherloc (09022015). Collection method: clinical testing. Allele origin: germline.

Mayo Clinic Laboratories, Mayo Clinic
Classification: Uncertain significance. Last evaluated: 2025-09-24. Review status: criteria provided, single submitter. Criteria: ACMG Guidelines, 2015. Collection method: clinical testing. Allele origin: germline. Observed: 2 variant alleles.

GeneDx
Classification: Uncertain significance. Last evaluated: 2025-07-26. Review status: criteria provided, single submitter. Criteria: GeneDx Variant Classification Process June 2021. Collection method: clinical testing. Allele origin: germline. Affected: yes.
Comment: In silico analysis supports that this missense variant has a deleterious effect on protein structure/function; Has not been previously published as pathogenic or benign to our knowledge

Ambry Genetics
Classification: Uncertain significance for Cardiovascular phenotype. Last evaluated: 2024-10-04. Review status: criteria provided, single submitter. Criteria: Ambry Variant Classification Scheme 2023. Collection method: clinical testing. Allele origin: germline.
Comment: The p.R164Q variant (also known as c.491G>A), located in coding exon 3 of the CYP27A1 gene, results from a G to A substitution at nucleotide position 491. The arginine at codon 164 is replaced by glutamine, an amino acid with highly similar properties. This amino acid position is conserved. In addition, the in silico prediction for this alteration is inconclusive. Since supporting evidence is limited at this time, the clinical significance of this alteration remains unclear.

Blueprint Genetics
Classification: Uncertain significance. Last evaluated: 2024-09-09. Review status: criteria provided, single submitter. Criteria: ACMG Guidelines, 2015. Collection method: clinical testing. Allele origin: germline.

CeGaT Center for Human Genetics Tuebingen
Classification: Uncertain significance. Last evaluated: 2019-03-01. Review status: criteria provided, single submitter. Criteria: CeGaT Center For Human Genetics Tuebingen Variant Classification Criteria Version 2. Collection method: clinical testing. Allele origin: germline. Affected: yes. Observed: 1 variant allele.

Eurofins Ntd Llc (ga)
Classification: Uncertain significance. Last evaluated: 2018-05-15. Review status: criteria provided, single submitter. Criteria: EGL ClinVar v180209 classification definitions. Collection method: clinical testing. Allele origin: germline. Observed: 6 variant alleles, 6 heterozygotes.

Illumina Laboratory Services, Illumina
Classification: Uncertain significance for Cholestanol storage disease. Last evaluated: 2018-01-13. Review status: criteria provided, single submitter. Criteria: ICSL Variant Classification Criteria 13 December 2019. Collection method: clinical testing. Allele origin: germline.

Centre de Biologie Pathologie Génétique, Centre Hospitalier Universitaire de Lille
Classification: Uncertain significance for Intellectual disability. Last evaluated: 2019-01-01. Review status: no assertion criteria provided. Collection method: clinical testing. Allele origin: unknown. Affected: yes. Not counted in ClinVar's aggregate classification.